The following is an entry in ClinVar:

ClinVar aggregate classification (germline): Uncertain significance. Review status: criteria provided, multiple submitters, no conflicts (2 of 4 stars). 2 submissions from 2 submitters: Uncertain significance (2). Last evaluated 2025-04-07.

Conditions:
POLD1-related polyposis and colorectal cancer syndrome (CRCS10). Also called: Colorectal cancer 10; COLORECTAL CANCER, SUSCEPTIBILITY TO, ON CHROMOSOME 19q; Colorectal cancer, susceptibility to, 10. Identifiers: Orphanet 220460, MedGen C2675481, MONDO:0012953, OMIM 612591.
Hereditary cancer-predisposing syndrome. Also called: Neoplastic Syndromes, Hereditary; Hereditary neoplastic syndrome; Tumor predisposition; Hereditary Cancer Syndrome. Identifiers: Orphanet 140162, MedGen C0027672, MeSH D009386, MONDO:0015356.

Submissions (2):

Labcorp Genetics (formerly Invitae), Labcorp
Classification: Uncertain significance for POLD1-related polyposis and colorectal cancer syndrome. Last evaluated: 2025-04-07. Review status: criteria provided, single submitter. Criteria: Invitae Variant Classification Sherloc (09022015). Collection method: clinical testing. Allele origin: germline.
Comment: This sequence change replaces proline, which is neutral and non-polar, with histidine, which is basic and polar, at codon 1101 of the POLD1 protein (p.Pro1101His). This variant is not present in population databases (gnomAD no frequency). This variant has not been reported in the literature in individuals affected with POLD1-related conditions. ClinVar contains an entry for this variant (Variation ID: 469341). An algorithm developed to predict the effect of missense changes on protein structure and function (PolyPhen-2) suggests that this variant is likely to be disruptive. In summary, the available evidence is currently insufficient to determine the role of this variant in disease. Therefore, it has been classified as a Variant of Uncertain Significance.

Ambry Genetics
Classification: Uncertain significance for Hereditary cancer-predisposing syndrome. Last evaluated: 2025-02-08. Review status: criteria provided, single submitter. Criteria: Ambry Variant Classification Scheme 2023. Collection method: clinical testing. Allele origin: germline.
Comment: The p.P1101H variant (also known as c.3302C>A), located in coding exon 26 of the POLD1 gene, results from a C to A substitution at nucleotide position 3302. The proline at codon 1101 is replaced by histidine, an amino acid with similar properties. This amino acid position is conserved. In addition, this alteration is predicted to be tolerated by in silico analysis. Based on the available evidence, the clinical significance of this variant remains unclear.

NM_002691.4(POLD1):c.3302C>A (p.Pro1101His)

Gene: POLD1 (DNA polymerase delta 1, catalytic subunit; plus strand). Cytogenetic location: 19q13.33.
Variant type: single nucleotide variant.
Coding change: c.3302C>A on transcript NM_002691.4 (MANE Select); coding-DNA position 3302, C replaced by A.
Protein change: p.Pro1101His; replaces proline 1101 with histidine.
Molecular consequence: missense variant. On other transcripts: non-coding transcript variant (1).
Genome position (GRCh38, 1-based): chr19:50,417,925, C>A. VCF-style: chr19-50417925-C-A. GRCh37 (hg19) VCF-style: chr19-50921182-C-A.
Other names: c.3302C>A, p.Pro1101His (NM_001256849.1); c.3380C>A, p.Pro1127His (NM_001308632.1); c.3302C>A (NM_002691.2); short protein forms P1101H, P1127H.
Identifiers: ClinVar variation 469341 (VCV000469341.9), dbSNP rs895709341, ClinGen allele CA309605962.